The following is an entry in ClinVar:

NM_020806.5(GPHN):c.26C>G (p.Thr9Ser)

Gene: GPHN (gephyrin; plus strand). Cytogenetic location: 14q23.3.
Variant type: single nucleotide variant.
Coding change: c.26C>G on transcript NM_020806.5 (MANE Select); coding-DNA position 26, C replaced by G.
Protein change: p.Thr9Ser; replaces threonine 9 with serine.
Molecular consequence: missense variant.
Genome position (GRCh38, 1-based): chr14:66,508,553, C>G. VCF-style: chr14-66508553-C-G. GRCh37 (hg19) VCF-style: chr14-66975271-C-G.
Other names: c.26C>G, p.Thr9Ser (NM_001024218.2, NM_001377514.1, NM_001377515.1 and 4 more transcripts); short protein forms T9S.
Identifiers: ClinVar variation 466208 (VCV000466208.56), dbSNP rs150226537, ClinGen allele CA7233591.

ClinVar aggregate classification (germline): Benign/Likely benign. Review status: criteria provided, multiple submitters, no conflicts (2 of 4 stars). 8 submissions from 8 submitters: Benign (2); Likely benign (2). 4 of the submissions do not count toward it. Last evaluated 2026-04-01.

Conditions:
Sulfite oxidase deficiency due to molybdenum cofactor deficiency type C. Also called: Molybdenum cofactor deficiency, complementation group C; Molybdenum cofactor deficiency C. Identifiers: Orphanet 308400, Orphanet 833, MedGen C1854990, MONDO:0014212, OMIM 615501.
Sulfite oxidase deficiency due to molybdenum cofactor deficiency type A. Also called: Molybdenum Cofactor Deficiency A; Molybdenum cofactor deficiency, complementation group A. Identifiers: Orphanet 308386, Orphanet 833, MedGen C1854988, MONDO:0009643, OMIM 252150.
GPHN-related disorder. Also called: GPHN-related condition.

Allele frequency attached by ClinVar (database versions not stated): 1000 Genomes Project 0.00100; gnomAD 0.00100 and 0.00104; TOPMed 0.00111; 1000 Genomes Project 30x 0.00125; gnomAD exomes 0.00136; ExAC 0.00137; ESP Exome Variant Server 0.00146.
gnomAD v4.1: 1,734 of 1,614,134 alleles (0.11%); highest among the groups gnomAD compares: Middle Eastern, 0.58%; 1 homozygote.

Submissions (8):

CeGaT Center for Human Genetics Tuebingen
Classification: Benign. Last evaluated: 2026-04-01. Review status: criteria provided, single submitter. Criteria: CeGaT Center For Human Genetics Tuebingen Variant Classification Criteria Version 2. Collection method: clinical testing. Allele origin: germline. Affected: yes. Observed: 4 variant alleles.
Comment: GPHN: BS1, BS2

Labcorp Genetics (formerly Invitae), Labcorp
Classification: Benign for Sulfite oxidase deficiency due to molybdenum cofactor deficiency type C. Last evaluated: 2026-01-27. Review status: criteria provided, single submitter. Criteria: Invitae Variant Classification Sherloc (09022015). Collection method: clinical testing. Allele origin: germline.

Blueprint Genetics
Classification: Likely benign. Last evaluated: 2024-11-22. Review status: criteria provided, single submitter. Criteria: ACMG Guidelines, 2015. Collection method: clinical testing. Allele origin: germline.

Genome Diagnostics Laboratory, University Medical Center Utrecht
Classification: Likely benign for Sulfite oxidase deficiency due to molybdenum cofactor deficiency type A. Last evaluated: 2016-07-27. Review status: criteria provided, single submitter. Criteria: ACGS Guidelines, 2013. Collection method: clinical testing. Allele origin: germline. Affected: yes. Study: VKGL Data-share Consensus.

PreventionGenetics, part of Exact Sciences
Classification: Likely benign for GPHN-related condition. Last evaluated: 2024-09-04. Review status: no assertion criteria provided. Collection method: clinical testing. Allele origin: germline. Not counted in ClinVar's aggregate classification.
Comment: This variant is classified as likely benign based on ACMG/AMP sequence variant interpretation guidelines (Richards et al. 2015 PMID: 25741868, with internal and published modifications).

Clinical Genetics DNA and cytogenetics Diagnostics Lab, Erasmus MC, Erasmus Medical Center
Classification: Likely benign. Review status: no assertion criteria provided. Collection method: clinical testing. Allele origin: germline. Affected: yes. Study: VKGL Data-share Consensus. Not counted in ClinVar's aggregate classification.

Diagnostic Laboratory, Department of Genetics, University Medical Center Groningen
Classification: Likely benign for Sulfite oxidase deficiency due to molybdenum cofactor deficiency type A. Review status: no assertion criteria provided. Collection method: clinical testing. Allele origin: germline. Affected: yes. Study: VKGL Data-share Consensus. Not counted in ClinVar's aggregate classification.

Laboratory of Diagnostic Genome Analysis, Leiden University Medical Center (LUMC)
Classification: Likely benign. Review status: no assertion criteria provided. Collection method: clinical testing. Allele origin: germline. Affected: yes. Study: VKGL Data-share Consensus. Not counted in ClinVar's aggregate classification.